The following is an entry in ClinVar:

NM_004260.4(RECQL4):c.3169G>A (p.Gly1057Ser)

Gene: RECQL4 (RecQ like helicase 4; minus strand). Cytogenetic location: 8q24.3.
Variant type: single nucleotide variant.
Coding change: c.3169G>A on transcript NM_004260.4 (MANE Select); coding-DNA position 3169, G replaced by A.
Protein change: p.Gly1057Ser; replaces glycine 1057 with serine.
Molecular consequence: missense variant.
Genome position (GRCh38, 1-based): chr8:144,512,211, C>T on the plus strand (G>A on the coding strand, the complement: RECQL4 is on the minus strand). VCF-style: chr8-144512211-C-T. GRCh37 (hg19) VCF-style: chr8-145737594-C-T.
Other names: c.2875G>A, p.Gly959Ser (NM_001413017.1); c.2971G>A, p.Gly991Ser (NM_001413018.1); c.3244G>A, p.Gly1082Ser (NM_001413019.1); c.3073G>A, p.Gly1025Ser (NM_001413020.1); c.2098G>A, p.Gly700Ser (NM_001413021.1, NM_001413022.1, NM_001413024.1 and 4 more transcripts); c.2173G>A, p.Gly725Ser (NM_001413023.1); c.3040G>A, p.Gly1014Ser (NM_001413025.1); c.2032G>A, p.Gly678Ser (NM_001413027.1, NM_001413030.1, NM_001413032.1); and 9 more; short protein forms G1013S, G1082S, G634S, G690S, G1025S, G568S, G703S, G1014S.
Identifiers: ClinVar variation 2156819 (VCV002156819.4), dbSNP rs2537978947, ClinGen allele CA372670097.

ClinVar aggregate classification (germline): Uncertain significance (1 of 4 stars; one submission).

Conditions:
Baller-Gerold syndrome (BGS). Also called: CRANIOSYNOSTOSIS WITH RADIAL DEFECTS. Identifiers: Orphanet 1225, MedGen C0265308, MONDO:0009039, OMIM 218600.

Submission:

Labcorp Genetics (formerly Invitae), Labcorp
Classification: Uncertain significance for Baller-Gerold syndrome. Last evaluated: 2024-05-26. Review status: criteria provided, single submitter. Criteria: Invitae Variant Classification Sherloc (09022015). Collection method: clinical testing. Allele origin: germline.
Comment: This sequence change replaces glycine, which is neutral and non-polar, with serine, which is neutral and polar, at codon 1057 of the RECQL4 protein (p.Gly1057Ser). This variant is not present in population databases (gnomAD no frequency). This variant has not been reported in the literature in individuals affected with RECQL4-related conditions. ClinVar contains an entry for this variant (Variation ID: 2156819). Advanced modeling of protein sequence and biophysical properties (such as structural, functional, and spatial information, amino acid conservation, physicochemical variation, residue mobility, and thermodynamic stability) performed at Invitae indicates that this missense variant is not expected to disrupt RECQL4 protein function with a negative predictive value of 80%. In summary, the available evidence is currently insufficient to determine the role of this variant in disease. Therefore, it has been classified as a Variant of Uncertain Significance.